The following is an entry in ClinVar:

ClinVar aggregate classification (germline): Likely benign; other. Review status: criteria provided, multiple submitters, no conflicts (2 of 4 stars). 3 submissions from 3 submitters: Likely benign (1). 1 of the submissions does not count toward it. Last evaluated 2018-08-06.

Conditions:
Debrisoquine, poor metabolism of. Identifiers: MedGen C1837156.

Allele frequency attached by ClinVar (database versions not stated): TOPMed 0.00001.
gnomAD v4.1: 56 of 1,606,104 alleles (0.0035%); highest among the groups gnomAD compares: South Asian, 0.036%; 1 homozygote.

Submissions (3):

Eurofins Ntd Llc (ga)
Classification: other. Last evaluated: 2018-08-06. Review status: criteria provided, single submitter. Criteria: EGL ClinVar v180209 classification definitions. Collection method: clinical testing. Allele origin: germline.

GeneDx
Classification: Likely benign. Last evaluated: 2018-04-12. Review status: criteria provided, single submitter. Criteria: GeneDx Variant Classification (06012015). Collection method: clinical testing. Allele origin: germline. Affected: yes.
Comment: This variant is considered likely benign or benign based on one or more of the following criteria: it is a conservative change, it occurs at a poorly conserved position in the protein, it is predicted to be benign by multiple in silico algorithms, and/or has population frequency not consistent with disease.

OMIM
Classification: drug response for DEBRISOQUINE, POOR METABOLISM OF. Last evaluated: 1995-11-01. Review status: no assertion criteria provided. Collection method: literature only. Allele origin: germline. Not counted in ClinVar's aggregate classification.

Literature cited by the submitters: PubMed 8530011 (cited by OMIM).

NM_000106.5(CYP2D6):c.505G>T (p.Gly169Ter)

Gene: CYP2D6 (cytochrome P450 family 2 subfamily D member 6 (gene/pseudogene); minus strand). Cytogenetic location: 22q13.2.
Variant type: single nucleotide variant.
Coding change: c.505G>T on transcript NM_000106.5; coding-DNA position 505, G replaced by T.
Protein change: p.Gly169Ter; replaces glycine 169 with a stop codon.
Molecular consequence: nonsense (on NM_000106.6). On other transcripts: intron variant (1).
Genome position (GRCh38, 1-based): chr22:42,129,033, C>A on the plus strand (G>T on the coding strand, the complement: CYP2D6 is on the minus strand). VCF-style: chr22-42129033-C-A. GRCh37 (hg19) VCF-style: chr22-42525035-C-A.
Other names: 1758G>T; c.505G>T, p.Gly169Ter (NM_000106.6, LRG_303t1); c.353-89G>T (NM_001025161.3); short protein forms G169*.
Identifiers: ClinVar variation 16892 (VCV000016892.7), dbSNP rs5030865, ClinGen allele CA126954.
Genomic context (GRCh38, chr22:42,129,033, plus strand): 5'-CGCCTTCCCCGTCCCCCGCCTTCCCAGTTCCCGCTTTGTGCCCTTCTGCCCATCACCCAC[C>A]GGAGTGGTTGGCGAAGGCGGCACAAAGGCAGGCGGCCTCCTCGGTCACCCACTGCTCCAG-3'